The following is an entry in ClinVar:

NM_001458.5(FLNC):c.274T>A (p.Phe92Ile)

Gene: FLNC (filamin C; plus strand). Cytogenetic location: 7q32.1.
Variant type: single nucleotide variant.
Coding change: c.274T>A on transcript NM_001458.5 (MANE Select); coding-DNA position 274, T replaced by A.
Protein change: p.Phe92Ile; replaces phenylalanine 92 with isoleucine.
Molecular consequence: missense variant.
Genome position (GRCh38, 1-based): chr7:128,830,911, T>A. VCF-style: chr7-128830911-T-A. GRCh37 (hg19) VCF-style: chr7-128470965-T-A.
Other names: c.274T>A, p.Phe92Ile (NM_001127487.2); short protein forms F92I.
Identifiers: ClinVar variation 2628961 (VCV002628961.1), dbSNP rs1807861657, ClinGen allele CA369216754.

ClinVar aggregate classification (germline): Uncertain significance (1 of 4 stars; one submission).

Conditions:
FLNC-related disorder. Also called: FLNC-related condition; FLNC-related disorders.

Allele frequency attached by ClinVar (database versions not stated): TOPMed below 0.00001; gnomAD 0.00001.
gnomAD v4.1: 2 of 1,612,948 alleles (0.00012%); highest among the groups gnomAD compares: African/African-American, 0.0027%; no homozygotes.

Submission:

PreventionGenetics, part of Exact Sciences
Classification: Uncertain significance for FLNC-related condition. Last evaluated: 2023-05-01. Review status: criteria provided, single submitter. Criteria: ACMG Guidelines, 2015. Collection method: clinical testing. Allele origin: germline.
Comment: The FLNC c.274T>A variant is predicted to result in the amino acid substitution p.Phe92Ile. To our knowledge, this variant has not been reported in the literature or in a large population database, indicating this variant is rare. At this time, the clinical significance of this variant is uncertain due to the absence of conclusive functional and genetic evidence.